The following is an entry in ClinVar:

NM_001366385.1(CARD14):c.402C>A (p.Ser134Arg)

Gene: CARD14 (caspase recruitment domain family member 14; plus strand). Cytogenetic location: 17q25.3.
Variant type: single nucleotide variant.
Coding change: c.402C>A on transcript NM_001366385.1 (MANE Select); coding-DNA position 402, C replaced by A.
Protein change: p.Ser134Arg; replaces serine 134 with arginine.
Molecular consequence: missense variant. On other transcripts: non-coding transcript variant (1).
Genome position (GRCh38, 1-based): chr17:80,183,965, C>A. VCF-style: chr17-80183965-C-A. GRCh37 (hg19) VCF-style: chr17-78157764-C-A.
Other names: c.402C>A, p.Ser134Arg (NM_001257970.1, NM_024110.4); short protein forms S134R.
Identifiers: ClinVar variation 2167000 (VCV002167000.4), dbSNP rs750455156, ClinGen allele CA8816418.

ClinVar aggregate classification (germline): Uncertain significance (1 of 4 stars; one submission).

Conditions:
Psoriasis 2. Identifiers: MedGen C1864497, MONDO:0011269, OMIM 602723.
Pityriasis rubra pilaris (PRP). Also called: Pityriasis rubra pilaris--familial type. Identifiers: Orphanet 2897, MedGen C0032027, MONDO:0100017, OMIM 173200, MONDO:0008251.

Allele frequency attached by ClinVar (database versions not stated): gnomAD 0.00001; gnomAD exomes 0.00001; TOPMed 0.00001; ExAC 0.00007; 1000 Genomes Project 30x 0.00031.
gnomAD v4.1: 11 of 1,555,526 alleles (0.00071%); highest among the groups gnomAD compares: Admixed American, 0.013%; no homozygotes.

Submission:

Labcorp Genetics (formerly Invitae), Labcorp
Classification: Uncertain significance for Pityriasis rubra pilaris; Psoriasis 2. Last evaluated: 2024-04-02. Review status: criteria provided, single submitter. Criteria: Invitae Variant Classification Sherloc (09022015). Collection method: clinical testing. Allele origin: germline.
Comment: This sequence change replaces serine, which is neutral and polar, with arginine, which is basic and polar, at codon 134 of the CARD14 protein (p.Ser134Arg). The frequency data for this variant in the population databases is considered unreliable, as metrics indicate poor data quality at this position in the gnomAD database. This variant has not been reported in the literature in individuals affected with CARD14-related conditions. ClinVar contains an entry for this variant (Variation ID: 2167000). Advanced modeling of protein sequence and biophysical properties (such as structural, functional, and spatial information, amino acid conservation, physicochemical variation, residue mobility, and thermodynamic stability) performed at Invitae indicates that this missense variant is expected to disrupt CARD14 protein function with a positive predictive value of 80%. In summary, the available evidence is currently insufficient to determine the role of this variant in disease. Therefore, it has been classified as a Variant of Uncertain Significance.